The following is an entry in ClinVar:

ClinVar aggregate classification (germline): Uncertain significance (1 of 4 stars; one submission).

Allele frequency attached by ClinVar (database versions not stated): gnomAD 0.00001; gnomAD exomes 0.00001; TOPMed 0.00003; ExAC 0.00006.
gnomAD v4.1: 16 of 1,612,532 alleles (0.00099%); highest among the groups gnomAD compares: East Asian, 0.031%; no homozygotes.

Submission:

GeneDx
Classification: Uncertain significance. Last evaluated: 2023-02-09. Review status: criteria provided, single submitter. Criteria: GeneDx Variant Classification Process June 2021. Collection method: clinical testing. Allele origin: germline. Affected: yes.
Comment: In silico analysis supports that this missense variant does not alter protein structure/function; Has not been previously published as pathogenic or benign to our knowledge

NM_001287491.2(TET3):c.1553C>T (p.Pro518Leu)

Gene: TET3 (tet methylcytosine dioxygenase 3; plus strand). Cytogenetic location: 2p13.1.
Variant type: single nucleotide variant.
Coding change: c.1553C>T on transcript NM_001287491.2 (MANE Select); coding-DNA position 1553, C replaced by T.
Protein change: p.Pro518Leu; replaces proline 518 with leucine.
Molecular consequence: missense variant.
Genome position (GRCh38, 1-based): chr2:74,047,470, C>T. VCF-style: chr2-74047470-C-T. GRCh37 (hg19) VCF-style: chr2-74274597-C-T.
Other names: c.1274C>T, p.Pro425Leu (NM_001366022.1); c.1148C>T, p.Pro383Leu (NM_144993.1); short protein forms P383L, P425L, P518L.
Identifiers: ClinVar variation 2575823 (VCV002575823.1), dbSNP rs765086084, ClinGen allele CA1718632.
Genomic context (GRCh38, chr2:74,047,470, plus strand): 5'-CCCCGGCCCCGGCCCCATCCCCTGTACTTCAGAGGGAGGCTCCCACGCCATCCTCGGAGC[C>T]CGACACCCACCAGAAGGCCCAGACCGCCCTGCAGCAGCACCTCCACCACAAGCGCAGCCT-3'
Protein context (NP_001274420.1, residues 508-528): QREAPTPSSE[Pro518Leu]DTHQKAQTAL